The following is an entry in ClinVar:

NM_001048174.2(MUTYH):c.1471C>G (p.Arg491Gly)

Gene: MUTYH (mutY DNA glycosylase; minus strand). Cytogenetic location: 1p34.1.
Variant type: single nucleotide variant.
Coding change: c.1471C>G on transcript NM_001048174.2 (MANE Select); coding-DNA position 1471, C replaced by G.
Protein change: p.Arg491Gly; replaces arginine 491 with glycine.
Molecular consequence: missense variant. On other transcripts: non-coding transcript variant (7).
Genome position (GRCh38, 1-based): chr1:45,329,401, G>C on the plus strand (C>G on the coding strand, the complement: MUTYH is on the minus strand). VCF-style: chr1-45329401-G-C. GRCh37 (hg19) VCF-style: chr1-45795073-G-C.
Other names: c.1471C>G, p.Arg491Gly (NM_001048171.2, NM_001048173.2, NM_001293195.2 and 6 more transcripts); c.1474C>G, p.Arg492Gly (NM_001048172.2, NM_001407071.1, NM_001407078.1 and 1 more transcripts); c.1555C>G, p.Arg519Gly (NM_001128425.2); c.1516C>G, p.Arg506Gly (NM_001293190.2); c.1504C>G, p.Arg502Gly (NM_001293191.2, NM_001407069.1, NM_001407077.1); c.1195C>G, p.Arg399Gly (NM_001293192.2, NM_001293196.2, NM_001407091.1); c.1126C>G, p.Arg376Gly (NM_001350650.2, NM_001350651.2, NM_001407082.1); c.1387C>G, p.Arg463Gly (NM_001407075.1); and 5 more; short protein forms R376G, R399G, R463G, R477G, R478G, R491G, R492G, R498G.
Identifiers: ClinVar variation 3233030 (VCV003233030.5), dbSNP rs754364718, ClinGen allele CA340131822.

ClinVar aggregate classification (germline): Conflicting classifications of pathogenicity. Review status: criteria provided, conflicting classifications (1 of 4 stars). 3 submissions from 3 submitters: Uncertain significance (1); Benign (1); Likely benign (1). Last evaluated 2025-09-09.

Conditions:
Hereditary cancer-predisposing syndrome. Also called: Neoplastic Syndromes, Hereditary; Tumor predisposition; Hereditary Cancer Syndrome; Hereditary neoplastic syndrome. Identifiers: Orphanet 140162, MedGen C0027672, MeSH D009386, MONDO:0015356.
Familial adenomatous polyposis 2. Also called: Adenomas, multiple colorectal; COLORECTAL ADENOMATOUS POLYPOSIS, AUTOSOMAL RECESSIVE; ADENOMAS, MULTIPLE COLORECTAL, AUTOSOMAL RECESSIVE; FAP type 2; MUTYH Polyposis; MYH-associated polyposis. Identifiers: Orphanet 220460, Orphanet 247798, MedGen C3272841, MONDO:0012041, OMIM 608456.

gnomAD v4.1: 3 of 1,614,104 alleles (0.00019%); highest among the groups gnomAD compares: Non-Finnish European, 0.00025%; no homozygotes.

Submissions (3):

Ambry Genetics
Classification: Benign for Hereditary cancer-predisposing syndrome. Last evaluated: 2025-09-09. Review status: criteria provided, single submitter. Criteria: Ambry Variant Classification Scheme 2023. Collection method: clinical testing. Allele origin: germline.

Color Diagnostics, LLC DBA Color Health
Classification: Likely benign for Hereditary cancer-predisposing syndrome. Last evaluated: 2025-07-25. Review status: criteria provided, single submitter. Criteria: ACMG Guidelines, 2015. Collection method: clinical testing. Allele origin: germline.

Labcorp Genetics (formerly Invitae), Labcorp
Classification: Uncertain significance for Familial adenomatous polyposis 2. Last evaluated: 2024-07-03. Review status: criteria provided, single submitter. Criteria: Invitae Variant Classification Sherloc (09022015). Collection method: clinical testing. Allele origin: germline.
Comment: This sequence change replaces arginine, which is basic and polar, with glycine, which is neutral and non-polar, at codon 519 of the MUTYH protein (p.Arg519Gly). This variant is not present in population databases (gnomAD no frequency). This variant has not been reported in the literature in individuals affected with MUTYH-related conditions. An algorithm developed to predict the effect of missense changes on protein structure and function (PolyPhen-2) suggests that this variant is likely to be tolerated. RNA analysis performed to evaluate the impact of this missense change on mRNA splicing indicates it does not significantly alter splicing (Invitae). In summary, the available evidence is currently insufficient to determine the role of this variant in disease. Therefore, it has been classified as a Variant of Uncertain Significance.